The following is an entry in ClinVar:

NM_000051.4(ATM):c.7788+16A>G

Genes: ATM (ATM serine/threonine kinase; plus strand), C11orf65 (chromosome 11 open reading frame 65; minus strand). Cytogenetic location: 11q22.3.
Variant type: single nucleotide variant.
Coding change: c.7788+16A>G on transcript NM_000051.4 (MANE Select); 16 bases into the intron after coding-DNA position 7788, A replaced by G.
Molecular consequence: intron variant.
Genome position (GRCh38, 1-based): chr11:108,332,053, A>G. VCF-style: chr11-108332053-A-G. GRCh37 (hg19) VCF-style: chr11-108202780-A-G.
Other names: c.7788+16A>G (NM_001351834.2); c.641-22982T>C (NM_001330368.2); c.*38+3167T>C (NM_001351110.2).
Identifiers: ClinVar variation 4717372 (VCV004717372.1).

ClinVar aggregate classification (germline): Uncertain significance (1 of 4 stars; one submission).

Conditions:
Ataxia-telangiectasia syndrome (AT). Also called: Ataxia-telangiectasia, complementation group D; AT, COMPLEMENTATION GROUP C; ATAXIA-TELANGIECTASIA, COMPLEMENTATION GROUP A; ATAXIA-TELANGIECTASIA, FRESNO VARIANT; Ataxia-telangiectasia; Ataxia-telangiectasia, complementation group E. Identifiers: Orphanet 100, MedGen C0004135, MONDO:0008840, OMIM 208900.

Submission:

Labcorp Genetics (formerly Invitae), Labcorp
Classification: Uncertain significance for Ataxia-telangiectasia syndrome. Last evaluated: 2025-04-13. Review status: criteria provided, single submitter. Criteria: Invitae Variant Classification Sherloc (09022015). Collection method: clinical testing. Allele origin: germline.
Comment: This sequence change falls in intron 52 of the ATM gene. It does not directly change the encoded amino acid sequence of the ATM protein. This variant is present in population databases (no rsID available, gnomAD 0.0009%). This variant has not been reported in the literature in individuals affected with ATM-related conditions. Algorithms developed to predict the effect of sequence changes on RNA splicing suggest that this variant may create or strengthen a splice site. In summary, the available evidence is currently insufficient to determine the role of this variant in disease. Therefore, it has been classified as a Variant of Uncertain Significance.